The following is an entry in ClinVar:

NM_001183.6(ATP6AP1):c.484G>C (p.Ala162Pro)

Gene: ATP6AP1 (ATPase H+ transporting accessory protein 1; plus strand). Cytogenetic location: Xq28.
Variant type: single nucleotide variant.
Coding change: c.484G>C on transcript NM_001183.6 (MANE Select); coding-DNA position 484, G replaced by C.
Protein change: p.Ala162Pro; replaces alanine 162 with proline.
Molecular consequence: missense variant.
Genome position (GRCh38, 1-based): chrX:154,432,386, G>C. VCF-style: chrX-154432386-G-C. GRCh37 (hg19) VCF-style: chrX-153660732-G-C.
Other names: short protein forms A162P.
Identifiers: ClinVar variation 1515449 (VCV001515449.8), dbSNP rs2068698556, ClinGen allele CA415189743.

ClinVar aggregate classification (germline): Uncertain significance (1 of 4 stars; one submission).

Allele frequency attached by ClinVar (database versions not stated): gnomAD exomes below 0.00001.

Submission:

Labcorp Genetics (formerly Invitae), Labcorp
Classification: Uncertain significance. Last evaluated: 2021-06-24. Review status: criteria provided, single submitter. Criteria: Invitae Variant Classification Sherloc (09022015). Collection method: clinical testing. Allele origin: germline.
Comment: This sequence change replaces alanine with proline at codon 162 of the ATP6AP1 protein (p.Ala162Pro). The alanine residue is moderately conserved and there is a small physicochemical difference between alanine and proline. This variant is not present in population databases (ExAC no frequency). In summary, the available evidence is currently insufficient to determine the role of this variant in disease. Therefore, it has been classified as a Variant of Uncertain Significance. Algorithms developed to predict the effect of missense changes on protein structure and function are either unavailable or do not agree on the potential impact of this missense change (SIFT: "Tolerated"; PolyPhen-2: "Probably Damaging"; Align-GVGD: "Class C0"). This variant has not been reported in the literature in individuals with ATP6AP1-related conditions.